The following is an entry in ClinVar:

ClinVar aggregate classification (germline): Uncertain significance. Review status: criteria provided, multiple submitters, no conflicts (2 of 4 stars). 3 submissions from 3 submitters: Uncertain significance (3). Last evaluated 2025-09-17.

Conditions:
Supravalvar aortic stenosis (SVAS). Also called: Supravalvar aortic stenosis, Eisenberg type. Identifiers: Orphanet 3193, MedGen C0003499, MONDO:0008504, OMIM 185500, HP:0004381.

Allele frequency attached by ClinVar (database versions not stated): gnomAD exomes 0.00002; TOPMed 0.00003.

Submissions (3):

Labcorp Genetics (formerly Invitae), Labcorp
Classification: Uncertain significance for Supravalvar aortic stenosis. Last evaluated: 2025-09-17. Review status: criteria provided, single submitter. Criteria: Invitae Variant Classification Sherloc (09022015). Collection method: clinical testing. Allele origin: germline.
Comment: This sequence change replaces glycine, which is neutral and non-polar, with aspartic acid, which is acidic and polar, at codon 3 of the ELN protein (p.Gly3Asp). This variant is present in population databases (no rsID available, gnomAD 0.01%). This variant has not been reported in the literature in individuals affected with ELN-related conditions. ClinVar contains an entry for this variant (Variation ID: 1043351). Invitae Evidence Modeling of protein sequence and biophysical properties (such as structural, functional, and spatial information, amino acid conservation, physicochemical variation, residue mobility, and thermodynamic stability) indicates that this missense variant is not expected to disrupt ELN protein function with a negative predictive value of 80%. In summary, the available evidence is currently insufficient to determine the role of this variant in disease. Therefore, it has been classified as a Variant of Uncertain Significance.

Greenwood Genetic Center Diagnostic Laboratories, Greenwood Genetic Center
Classification: Uncertain significance. Last evaluated: 2025-06-23. Review status: criteria provided, single submitter. Criteria: ACMG Guidelines, 2015. Collection method: clinical testing. Allele origin: germline. Affected: yes.
Comment: BS1

GeneDx
Classification: Uncertain significance. Last evaluated: 2019-05-29. Review status: criteria provided, single submitter. Criteria: GeneDx Variant Classification Process June 2021. Collection method: clinical testing. Allele origin: germline. Affected: yes.
Comment: Has not been previously published as pathogenic or benign to our knowledge; Not observed at a significant frequency in large population cohorts (Lek et al., 2016); In silico analysis, which includes protein predictors and evolutionary conservation, supports a deleterious effect

NM_000501.4(ELN):c.8G>A (p.Gly3Asp)

Gene: ELN (elastin; plus strand). Cytogenetic location: 7q11.23.
Variant type: single nucleotide variant.
Coding change: c.8G>A on transcript NM_000501.4 (MANE Select); coding-DNA position 8, G replaced by A.
Protein change: p.Gly3Asp; replaces glycine 3 with aspartic acid.
Molecular consequence: missense variant.
Genome position (GRCh38, 1-based): chr7:74,028,195, G>A. VCF-style: chr7-74028195-G-A. GRCh37 (hg19) VCF-style: chr7-73442525-G-A.
Other names: c.8G>A, p.Gly3Asp (NM_001081752.3, NM_001081753.3, NM_001081754.3 and 9 more transcripts); short protein forms G3D.
Identifiers: ClinVar variation 1043351 (VCV001043351.11), dbSNP rs1198683869, ClinGen allele CA367868634.